The following is an entry in ClinVar:

NM_001001557.4(GDF6):c.1310A>G (p.Asn437Ser)

Gene: GDF6 (growth differentiation factor 6; minus strand). Cytogenetic location: 8q22.1.
Variant type: single nucleotide variant.
Coding change: c.1310A>G on transcript NM_001001557.4 (MANE Select); coding-DNA position 1310, A replaced by G.
Protein change: p.Asn437Ser; replaces asparagine 437 with serine.
Molecular consequence: missense variant.
Genome position (GRCh38, 1-based): chr8:96,144,621, T>C on the plus strand (A>G on the coding strand, the complement: GDF6 is on the minus strand). VCF-style: chr8-96144621-T-C. GRCh37 (hg19) VCF-style: chr8-97156849-T-C.
Other names: c.1310A>G (NM_001001557.3); short protein forms N437S.
Identifiers: ClinVar variation 1001816 (VCV001001816.9), dbSNP rs376427985, ClinGen allele CA4815340.

ClinVar aggregate classification (germline): Uncertain significance. Review status: criteria provided, multiple submitters, no conflicts (2 of 4 stars). 2 submissions from 2 submitters: Uncertain significance (2). Last evaluated 2024-12-31.

Conditions:
GDF6-related disorder. Also called: GDF6-related condition.
Klippel-Feil syndrome 1, autosomal dominant (KFS1). Also called: CERVICAL VERTEBRAL FUSION, AUTOSOMAL DOMINANT. Identifiers: Orphanet 2345, MedGen C1861689, MONDO:0007306, OMIM 118100.
Leber congenital amaurosis 17 (LCA17). Identifiers: Orphanet 65, MedGen C3715164, MONDO:0014145, OMIM 615360.
Isolated microphthalmia 4. Identifiers: Orphanet 2542, MedGen C2751307, MONDO:0013130, OMIM 613094.
Microphthalmia, isolated, with coloboma 6 (MCOPCB6). Also called: MICROPHTHALMIA/COLOBOMA 6; Microphthalmia with coloboma 6, digenic; Microphthalmia with coloboma 6. Identifiers: Orphanet 98938, MedGen C3150968, MONDO:0013376, OMIM 613703.

Allele frequency attached by ClinVar (database versions not stated): gnomAD exomes 0.00001 and 0.00002; TOPMed 0.00001; ExAC 0.00003; ESP Exome Variant Server 0.00008.
gnomAD v4.1: 28 of 1,614,022 alleles (0.0017%); highest among the groups gnomAD compares: Non-Finnish European, 0.0024%; no homozygotes.

Submissions (2):

PreventionGenetics, part of Exact Sciences
Classification: Uncertain significance for GDF6-related condition. Last evaluated: 2024-12-31. Review status: criteria provided, single submitter. Criteria: ACMG Guidelines, 2015. Collection method: clinical testing. Allele origin: germline.
Comment: The GDF6 c.1310A>G variant is predicted to result in the amino acid substitution p.Asn437Ser. To our knowledge, this variant has not been reported in the literature. This variant is reported in 0.0026% of alleles in individuals of European (Non-Finnish) descent in gnomAD. At this time, the clinical significance of this variant is uncertain due to the absence of conclusive functional and genetic evidence.

Labcorp Genetics (formerly Invitae), Labcorp
Classification: Uncertain significance for Isolated microphthalmia 4; Leber congenital amaurosis 17; Klippel-Feil syndrome 1, autosomal dominant; Microphthalmia, isolated, with coloboma 6. Last evaluated: 2023-08-10. Review status: criteria provided, single submitter. Criteria: Invitae Variant Classification Sherloc (09022015). Collection method: clinical testing. Allele origin: germline.
Comment: This sequence change replaces asparagine, which is neutral and polar, with serine, which is neutral and polar, at codon 437 of the GDF6 protein (p.Asn437Ser). This variant is present in population databases (rs376427985, gnomAD 0.003%). This variant has not been reported in the literature in individuals affected with GDF6-related conditions. ClinVar contains an entry for this variant (Variation ID: 1001816). Advanced modeling of protein sequence and biophysical properties (such as structural, functional, and spatial information, amino acid conservation, physicochemical variation, residue mobility, and thermodynamic stability) performed at Invitae indicates that this missense variant is not expected to disrupt GDF6 protein function. In summary, the available evidence is currently insufficient to determine the role of this variant in disease. Therefore, it has been classified as a Variant of Uncertain Significance.